The following is an entry in ClinVar:

NM_004168.4(SDHA):c.1065-8C>G

Gene: SDHA (succinate dehydrogenase complex flavoprotein subunit A; plus strand). Cytogenetic location: 5p15.33.
Variant type: single nucleotide variant.
Coding change: c.1065-8C>G on transcript NM_004168.4 (MANE Select); 8 bases into the intron before coding-DNA position 1065, C replaced by G.
Molecular consequence: intron variant.
Genome position (GRCh38, 1-based): chr5:235,136, C>G. VCF-style: chr5-235136-C-G. GRCh37 (hg19) VCF-style: chr5-235251-C-G.
Other names: c.1065-8C>G (NM_001330758.2); c.921-8C>G (NM_001294332.2).
Identifiers: ClinVar variation 2180726 (VCV002180726.4), dbSNP rs2477361975, ClinGen allele CA2580073118.

ClinVar aggregate classification (germline): Uncertain significance (1 of 4 stars; one submission).

Conditions:
Mitochondrial complex II deficiency, nuclear type 1. Also called: SUCCINATE CoQ REDUCTASE DEFICIENCY. Identifiers: Orphanet 3208, MedGen C5700310, MONDO:0100294, OMIM 252011.
Pheochromocytoma/paraganglioma syndrome 5. Also called: Paragangliomas 5; SDHA-Related Hereditary Paraganglioma-Pheochromocytoma Syndrome. Identifiers: Orphanet 29072, MedGen C3279992, MONDO:0013602, OMIM 614165.

Submission:

Labcorp Genetics (formerly Invitae), Labcorp
Classification: Uncertain significance for Pheochromocytoma/paraganglioma syndrome 5; Mitochondrial complex II deficiency, nuclear type 1. Last evaluated: 2022-10-26. Review status: criteria provided, single submitter. Criteria: Invitae Variant Classification Sherloc (09022015). Collection method: clinical testing. Allele origin: germline.
Comment: In summary, the available evidence is currently insufficient to determine the role of this variant in disease. Therefore, it has been classified as a Variant of Uncertain Significance. This sequence change falls in intron 8 of the SDHA gene. It does not directly change the encoded amino acid sequence of the SDHA protein. This variant is not present in population databases (gnomAD no frequency). This variant has not been reported in the literature in individuals affected with SDHA-related conditions. Algorithms developed to predict the effect of sequence changes on RNA splicing suggest that this variant may disrupt the consensus splice site.